The following is an entry in ClinVar:

NM_001267550.2(TTN):c.41609-2A>G

Gene: TTN (titin; minus strand). Cytogenetic location: 2q31.2.
Variant type: single nucleotide variant.
Coding change: c.41609-2A>G on transcript NM_001267550.2 (MANE Select); the canonical splice acceptor site of the intron before coding-DNA position 41609, A replaced by G.
Molecular consequence: splice acceptor variant.
Genome position (GRCh38, 1-based): chr2:178,635,717, T>C on the plus strand (A>G on the coding strand, the complement: TTN is on the minus strand). VCF-style: chr2-178635717-T-C. GRCh37 (hg19) VCF-style: chr2-179500444-T-C.
Other names: c.14414-2A>G (NM_003319.4); c.14990-2A>G (NM_133437.4); c.14789-2A>G (NM_133432.3); c.33905-2A>G (NM_133378.4); c.36686-2A>G (NM_001256850.1).
Identifiers: ClinVar variation 535031 (VCV000535031.10), dbSNP rs730880244, ClinGen allele CA349657872.
Genomic context (GRCh38, chr2:178,635,717, plus strand): 5'-CCCCTTGGGTTTCACATGCTGGTCTCGTATAGGTTTCACCAGCCAATCTCTAATGACTTC[T>C]ATATGAAAATAAGATCAGAAAAAATGATTAAGGTCTGAACAAGTAATATACATAGCTTCC-3'

ClinVar aggregate classification (germline): Likely pathogenic. Review status: criteria provided, multiple submitters, no conflicts (2 of 4 stars). 2 submissions from 2 submitters: Likely pathogenic (2). Last evaluated 2026-01-15.

Conditions:
Autosomal recessive limb-girdle muscular dystrophy type 2J (LGMDR10). Also called: Limb-girdle muscular dystrophy, type 2J; MUSCULAR DYSTROPHY, LIMB-GIRDLE, AUTOSOMAL RECESSIVE 10. Identifiers: Orphanet 140922, MedGen C1837342, MONDO:0012127, OMIM 608807.
Dilated cardiomyopathy 1G (CMD1G). Identifiers: Orphanet 154, MedGen C1858763, MONDO:0011400, OMIM 604145.

gnomAD v4.1: 1 of 1,589,474 alleles (0.000063%); highest among the groups gnomAD compares: Middle Eastern, 0.017%; no homozygotes.

Submissions (2):

Labcorp Genetics (formerly Invitae), Labcorp
Classification: Likely pathogenic for Dilated cardiomyopathy 1G; Autosomal recessive limb-girdle muscular dystrophy type 2J. Last evaluated: 2026-01-15. Review status: criteria provided, single submitter. Criteria: Invitae Variant Classification Sherloc (09022015). Collection method: clinical testing. Allele origin: germline.
Comment: This sequence change affects an acceptor splice site in intron 226 of the TTN gene. It is expected to disrupt RNA splicing and likely results in a truncated or disrupted TTN protein. The frequency data for this variant in the population databases is considered unreliable, as metrics indicate poor data quality at this position in the gnomAD database. This variant has not been observed in the literature in individuals with autosomal recessive TTN-related conditions. This variant has been reported in individual(s) with dilated cardiomyopathy (PMID: 31931689); however, the role of the variant in this condition is currently unclear. ClinVar contains an entry for this variant (Variation ID: 535031). Algorithms developed to predict the effect of sequence changes on RNA splicing suggest that this variant may disrupt the consensus splice site. This variant is located in the I band of TTN (PMID: 25589632). Truncating variants in this region have been reported in individuals affected with autosomal recessive centronuclear myopathy (PMID: 23975875, internal data). Truncating variants in this region have also been identified in individuals affected with autosomal dominant dilated cardiomyopathy and/or cardio-related conditions (PMID: 27869827, 32964742, internal data). In summary, the currently available evidence indicates that the variant is pathogenic, but additional data are needed to prove that conclusively. Therefore, this variant has been classified as Likely Pathogenic.

Variantyx, Inc.
Classification: Likely pathogenic for Dilated cardiomyopathy 1G. Last evaluated: 2026-01-15. Review status: criteria provided, single submitter. Criteria: Variantyx Assertion Criteria 2022. Collection method: clinical testing. Allele origin: germline. Inheritance: Autosomal dominant inheritance. Affected: yes.
Comment: This is a canonical splicing variant in the TTN gene (OMIM: 188840). Pathogenic variants in this gene have been associated with autosomal dominant dilated cardiomyopathy 1G. This splicing variant within intron 226 localizes to the I-band region of titin (PSI=100%) and is expected to result in loss of function, which is a known disease mechanism for TTN in this disorder (PMID: 31931689) (PVS1). This variant is absent from control populations (PM2). It has been reported in the heterozygous state in at least one affected individuals (PMID:31931689). Based on the current evidence, this variant is classified as likely pathogenic for autosomal dominant dilated cardiomyopathy 1G.

Literature cited by the submitters: PubMed 31931689 (cited by Labcorp Genetics (formerly Invitae), Labcorp and Variantyx, Inc.); PubMed 25589632 (cited by Labcorp Genetics (formerly Invitae), Labcorp); PubMed 23975875 (cited by Labcorp Genetics (formerly Invitae), Labcorp); PubMed 27869827 (cited by Labcorp Genetics (formerly Invitae), Labcorp); PubMed 32964742 (cited by Labcorp Genetics (formerly Invitae), Labcorp).